The following is an entry in ClinVar:

ClinVar aggregate classification (germline): Uncertain significance. Review status: criteria provided, multiple submitters, no conflicts (2 of 4 stars). 4 submissions from 4 submitters: Uncertain significance (4). Last evaluated 2025-09-05.

Conditions:
Lynch syndrome 4 (LYNCH4). Also called: Colorectal cancer, hereditary nonpolyposis, type 4; Hereditary non-polyposis colorectal cancer, type 4. Identifiers: Orphanet 144, MedGen C1838333, MONDO:0013699, OMIM 614337. Disease mechanism: loss of function.
Hereditary nonpolyposis colorectal neoplasms. Identifiers: MedGen C0009405, MeSH D003123.
Hereditary cancer-predisposing syndrome. Also called: Hereditary Cancer Syndrome; Neoplastic Syndromes, Hereditary; Tumor predisposition; Hereditary neoplastic syndrome. Identifiers: Orphanet 140162, MedGen C0027672, MeSH D009386, MONDO:0015356.

Allele frequency attached by ClinVar (database versions not stated): gnomAD exomes below 0.00001 and 0.00001; ExAC 0.00001.
gnomAD v4.1: 3 of 1,611,792 alleles (0.00019%); highest among the groups gnomAD compares: Admixed American, 0.005%; no homozygotes.

Submissions (4):

Labcorp Genetics (formerly Invitae), Labcorp
Classification: Uncertain significance for Hereditary nonpolyposis colorectal neoplasms. Last evaluated: 2025-09-05. Review status: criteria provided, single submitter. Criteria: Invitae Variant Classification Sherloc (09022015). Collection method: clinical testing. Allele origin: germline.
Comment: This sequence change replaces serine, which is neutral and polar, with isoleucine, which is neutral and non-polar, at codon 158 of the PMS2 protein (p.Ser158Ile). This variant is present in population databases (rs750354871, gnomAD 0.006%). This variant has not been reported in the literature in individuals affected with PMS2-related conditions. ClinVar contains an entry for this variant (Variation ID: 490105). Invitae Evidence Modeling incorporating data from in vitro experimental studies (internal data) indicates that this missense variant is not expected to disrupt PMS2 function with a negative predictive value of 95%. In summary, the available evidence is currently insufficient to determine the role of this variant in disease. Therefore, it has been classified as a Variant of Uncertain Significance.

Baylor Genetics
Classification: Uncertain significance for Lynch syndrome 4. Last evaluated: 2023-10-13. Review status: criteria provided, single submitter. Criteria: ACMG Guidelines, 2015. Collection method: clinical testing. Allele origin: unknown.

Ambry Genetics
Classification: Uncertain significance for Hereditary cancer-predisposing syndrome. Last evaluated: 2022-07-05. Review status: criteria provided, single submitter. Criteria: Ambry Variant Classification Scheme 2023. Collection method: clinical testing. Allele origin: germline.
Comment: The p.S158I variant (also known as c.473G>T), located in coding exon 5 of the PMS2 gene, results from a G to T substitution at nucleotide position 473. The serine at codon 158 is replaced by isoleucine, an amino acid with dissimilar properties. This amino acid position is well conserved in available vertebrate species. In addition, this alteration is predicted to be tolerated by in silico analysis. Since supporting evidence is limited at this time, the clinical significance of this alteration remains unclear.

Color Diagnostics, LLC DBA Color Health
Classification: Uncertain significance for Hereditary cancer-predisposing syndrome. Last evaluated: 2019-03-23. Review status: criteria provided, single submitter. Criteria: ACMG Guidelines, 2015. Collection method: clinical testing. Allele origin: germline.

NM_000535.7(PMS2):c.473G>T (p.Ser158Ile)

Gene: PMS2 (PMS1 homolog 2, mismatch repair system component; minus strand). Cytogenetic location: 7p22.1.
Variant type: single nucleotide variant.
Coding change: c.473G>T on transcript NM_000535.7 (MANE Select); coding-DNA position 473, G replaced by T.
Protein change: p.Ser158Ile; replaces serine 158 with isoleucine.
Molecular consequence: missense variant. On other transcripts: 5 prime UTR variant (2), non-coding transcript variant (1).
Genome position (GRCh38, 1-based): chr7:6,002,517, C>A on the plus strand (G>T on the coding strand, the complement: PMS2 is on the minus strand). VCF-style: chr7-6002517-C-A. GRCh37 (hg19) VCF-style: chr7-6042148-C-A.
Other names: c.68G>T, p.Ser23Ile (NM_001322003.2, NM_001322004.2, NM_001322005.2 and 3 more transcripts); c.473G>T, p.Ser158Ile (NM_001322006.2, NM_001322014.2); c.155G>T, p.Ser52Ile (NM_001322007.2, NM_001322008.2); c.-412G>T (NM_001322011.2, NM_001322012.2); c.164G>T, p.Ser55Ile (NM_001322015.2); short protein forms S158I, S55I, S52I, S23I.
Identifiers: ClinVar variation 490105 (VCV000490105.15), dbSNP rs750354871, ClinGen allele CA049933.
Genomic context (GRCh38, chr7:6,002,517, plus strand): 5'-TTAATATTCCTTTGAAATTCCTTATGGCGCACAGGTAGTGTGGAAAATAACTGCTGCACG[C>A]TGACTGTGGTCCCTCTGGGGCGGGGGTAGGGGGTTTTCTGGATAATTTTCCCATTGTGAT-3'
Protein context (NP_000526.2, residues 148-168): PYPRPRGTTV[Ser158Ile]VQQLFSTLPV